The following is an entry in ClinVar:

ClinVar aggregate classification (germline): Likely pathogenic. Review status: criteria provided, multiple submitters, no conflicts (2 of 4 stars). 3 submissions from 3 submitters: Likely pathogenic (2). 1 of the submissions does not count toward it. Last evaluated 2025-06-19.

Conditions:
Finnish congenital nephrotic syndrome (NPHS1). Also called: NEPHROTIC SYNDROME, TYPE 1. Identifiers: Orphanet 839, MedGen C0403399, MONDO:0009732, OMIM 256300.

Submissions (3):

Myriad Genetics, Inc.
Classification: Likely pathogenic for Finnish congenital nephrotic syndrome. Last evaluated: 2025-06-19. Review status: criteria provided, single submitter. Criteria: Myriad Autosomal Dominant, Autosomal Recessive and X-Linked Classification Criteria (2023). Collection method: clinical testing. Allele origin: unknown.
Comment: NM_004646.3(NPHS1):c.2663_2663+9del10 is a variant in a canonical splice site classified as likely pathogenic in the context of nephrotic syndrome, NPHS1-related. c.2663_2663+9del10 has not been observed in cases with relevant disease. Relevant functional assessments of this variant are not available in the literature. c.2663_2663+9del10 has not been observed in referenced population frequency databases. In summary, NM_004646.3(NPHS1):c.2663_2663+9del10 is a variant in a canonical splice site in a gene where loss of function is a known mechanism of disease and is predicted to disrupt protein function. Please note: this variant was assessed in the context of healthy population screening.

Labcorp Genetics (formerly Invitae), Labcorp
Classification: Likely pathogenic. Last evaluated: 2025-03-31. Review status: criteria provided, single submitter. Criteria: Invitae Variant Classification Sherloc (09022015). Collection method: clinical testing. Allele origin: germline.
Comment: This variant results in the deletion of part of exon 19 (c.2663_2663+9del) of the NPHS1 gene. It is expected to disrupt RNA splicing. Variants that disrupt the donor or acceptor splice site typically lead to a loss of protein function (PMID: 16199547), and loss-of-function variants in NPHS1 are known to be pathogenic (PMID: 11317351, 11854170, 12039988). This variant is present in population databases (rs771953692, gnomAD 0.003%). This variant has not been reported in the literature in individuals affected with NPHS1-related conditions. ClinVar contains an entry for this variant (Variation ID: 557408). Algorithms developed to predict the effect of sequence changes on RNA splicing suggest that this variant may disrupt the consensus splice site. In summary, the currently available evidence indicates that the variant is pathogenic, but additional data are needed to prove that conclusively. Therefore, this variant has been classified as Likely Pathogenic.

Counsyl
Classification: Likely pathogenic for Finnish congenital nephrotic syndrome. Last evaluated: 2018-03-24. Review status: no assertion criteria provided. Collection method: clinical testing. Allele origin: unknown. Not counted in ClinVar's aggregate classification.

Literature cited by the submitters: PubMed 16199547 (cited by Labcorp Genetics (formerly Invitae), Labcorp); PubMed 11317351 (cited by Labcorp Genetics (formerly Invitae), Labcorp); PubMed 11854170 (cited by Labcorp Genetics (formerly Invitae), Labcorp); PubMed 12039988 (cited by Labcorp Genetics (formerly Invitae), Labcorp).

NM_004646.4(NPHS1):c.2663_2663+9del

Gene: NPHS1 (NPHS1 adhesion molecule, nephrin; minus strand). Cytogenetic location: 19q13.12.
Variant type: Deletion.
Coding change: c.2663_2663+9del on transcript NM_004646.4 (MANE Select); coding-DNA position 2663 through 9 bases into the intron after coding-DNA position 2663, 10 bases deleted (GGTGAGCCCA; older notation c.2663_2663+9delGGTGAGCCCA).
Molecular consequence: splice donor variant.
Genome position (GRCh38, 1-based): chr19:35,842,115-35,842,124, TGGGCTCACC deleted on the plus strand (GGTGAGCCCA on the coding strand, the reverse complement: NPHS1 is on the minus strand); deleting any 10 consecutive bases within chr19:35,842,115-35,842,128 gives the same sequence; the c. name uses the placement nearest the transcript's 3' end. VCF-style (leftmost placement, unchanged base first): chr19-35842114-TTGGGCTCACC-T. GRCh37 (hg19) VCF-style: chr19-36333016-TTGGGCTCACC-T.
Other names: c.2663_2663+9del10 (NM_004646.3).
Identifiers: ClinVar variation 557408 (VCV000557408.8), dbSNP rs771953692, ClinGen allele CA9390065.